The following is an entry in ClinVar:

NM_000289.6(PFKM):c.1392_1395del (p.Ser465fs)

Gene: PFKM (phosphofructokinase, muscle; plus strand). Cytogenetic location: 12q13.11.
Variant type: Deletion.
Coding change: c.1392_1395del on transcript NM_000289.6 (MANE Select); coding-DNA positions 1392 to 1395, 4 bases deleted (CTCT; older notation c.1392_1395delCTCT).
Protein change: p.Ser465fs; shifts the reading frame from serine 465.
Molecular consequence: frameshift variant. On other transcripts: non-coding transcript variant (6).
Genome position (GRCh38, 1-based): chr12:48,141,361-48,141,364, CTCT deleted. VCF-style (leftmost placement, unchanged base first): chr12-48141360-GCTCT-G. GRCh37 (hg19) VCF-style: chr12-48535143-GCTCT-G.
Other names: c.1605_1608del, p.Ser536fs (NM_001166686.2, NM_001354737.1, NM_001354738.1 and 1 more transcripts); c.1392_1395del, p.Ser465fs (NM_001166687.2, NM_001166688.2, NM_001354742.2 and 2 more transcripts); c.1701_1704del, p.Ser568fs (NM_001354735.1, NM_001354736.1); c.1536_1539del, p.Ser513fs (NM_001354740.1); c.1416_1419del, p.Ser473fs (NM_001354741.2); c.1305_1308del, p.Ser436fs (NM_001354745.2); c.1266_1269del, p.Ser423fs (NM_001354746.2); c.1242_1245del, p.Ser415fs (NM_001354747.2, NM_001354748.2); and 2 more; short protein forms S415fs, S423fs, S434fs, S436fs, S465fs, S473fs, S505fs, S513fs.
Identifiers: ClinVar variation 5013724 (VCV005013724.1).
Genomic context (GRCh38, chr12:48,141,360, plus strand): 5'-TATCCCCACAGATAGAGGAAGCTGGCTGGAGCTATGTTGGGGGCTGGACTGGCCAAGGTG[GCTCT>G]AAACTTGGGACTAAAAGGTAAGTAGCACTGCAGAGGCACCTCCTCCCAGTCACCTCTTAA-3'

ClinVar aggregate classification (germline): Pathogenic (1 of 4 stars; one submission).

Conditions:
Glycogen storage disease, type VII (GSD7). Also called: GSD VII; MUSCLE PHOSPHOFRUCTOKINASE DEFICIENCY; PFKM DEFICIENCY; TARUI DISEASE. Identifiers: Orphanet 371, MedGen C0017926, MONDO:0009295, OMIM 232800.

Submission:

Myriad Genetics, Inc.
Classification: Pathogenic for Glycogen storage disease, type VII. Last evaluated: 2024-11-09. Review status: criteria provided, single submitter. Criteria: Myriad Autosomal Dominant, Autosomal Recessive and X-Linked Classification Criteria (2023). Collection method: clinical testing. Allele origin: unknown.
Comment: NM_001166686.1(PFKM):c.1605_1608delCTCT(S536Nfs*20) is expected to be pathogenic in the context of glycogen storage disease, PFKM-related. This variant is predicted to lead to an abnormal or absent protein product due to the creation of a premature termination codon in PFKM, a gene where loss-of-function variants are known to be pathogenic. Please note: this variant was assessed in the context of healthy population screening.